The following is an entry in ClinVar:

ClinVar aggregate classification (germline): Uncertain significance (1 of 4 stars; one submission).

Conditions:
Paroxysmal nonkinesigenic dyskinesia. Also called: Paroxysmal non-kinesigenic dyskinesia. Identifiers: Orphanet 98810, MedGen C1869117, MONDO:0700088.

Allele frequency attached by ClinVar (database versions not stated): TOPMed below 0.00001; gnomAD 0.00001; gnomAD exomes 0.00001 and 0.00003.

Submission:

Labcorp Genetics (formerly Invitae), Labcorp
Classification: Uncertain significance for Paroxysmal nonkinesigenic dyskinesia. Last evaluated: 2025-04-23. Review status: criteria provided, single submitter. Criteria: Invitae Variant Classification Sherloc (09022015). Collection method: clinical testing. Allele origin: germline.
Comment: This sequence change replaces alanine, which is neutral and non-polar, with serine, which is neutral and polar, at codon 369 of the PNKD protein (p.Ala369Ser). This variant is present in population databases (no rsID available, gnomAD 0.002%). This missense change has been observed in individual(s) with dystonia (internal data). ClinVar contains an entry for this variant (Variation ID: 1375647). Invitae Evidence Modeling of protein sequence and biophysical properties (such as structural, functional, and spatial information, amino acid conservation, physicochemical variation, residue mobility, and thermodynamic stability) indicates that this missense variant is not expected to disrupt PNKD protein function with a negative predictive value of 80%. In summary, the available evidence is currently insufficient to determine the role of this variant in disease. Therefore, it has been classified as a Variant of Uncertain Significance.

NM_015488.5(PNKD):c.1105G>T (p.Ala369Ser)

Genes: CATIP-AS2 (CATIP antisense RNA 2; minus strand), PNKD (PNKD metallo-beta-lactamase domain containing; plus strand). Cytogenetic location: 2q35.
Variant type: single nucleotide variant.
Coding change: c.1105G>T on transcript NM_015488.5 (MANE Select); coding-DNA position 1105, G replaced by T.
Protein change: p.Ala369Ser; replaces alanine 369 with serine.
Molecular consequence: missense variant.
Genome position (GRCh38, 1-based): chr2:218,344,928, G>T. VCF-style: chr2-218344928-G-T. GRCh37 (hg19) VCF-style: chr2-219209651-G-T.
Other names: c.1033G>T, p.Ala345Ser (NM_022572.5); short protein forms A369S, A345S.
Identifiers: ClinVar variation 1375647 (VCV001375647.8), dbSNP rs1233192096, ClinGen allele CA350543976.